The following is an entry in ClinVar:

ClinVar aggregate classification (germline): Uncertain significance. Review status: criteria provided, multiple submitters, no conflicts (2 of 4 stars). 2 submissions from 2 submitters: Uncertain significance (2). Last evaluated 2023-12-11.

Allele frequency attached by ClinVar (database versions not stated): gnomAD 0.00001 and 0.00003; gnomAD exomes 0.00002; TOPMed 0.00004; ExAC 0.00007; 1000 Genomes Project 30x 0.00031; 1000 Genomes Project 0.00040.
gnomAD v4.1: 30 of 1,548,670 alleles (0.0019%); highest among the groups gnomAD compares: African/African-American, 0.0055%; no homozygotes.

Submissions (2):

Labcorp Genetics (formerly Invitae), Labcorp
Classification: Uncertain significance. Last evaluated: 2023-12-11. Review status: criteria provided, single submitter. Criteria: Invitae Variant Classification Sherloc (09022015). Collection method: clinical testing. Allele origin: germline.
Comment: This sequence change replaces arginine, which is basic and polar, with glutamine, which is neutral and polar, at codon 530 of the PDZD7 protein (p.Arg530Gln). This variant is present in population databases (rs574961159, gnomAD 0.007%). This variant has not been reported in the literature in individuals affected with PDZD7-related conditions. ClinVar contains an entry for this variant (Variation ID: 1052703). Advanced modeling of protein sequence and biophysical properties (such as structural, functional, and spatial information, amino acid conservation, physicochemical variation, residue mobility, and thermodynamic stability) performed at Invitae indicates that this missense variant is not expected to disrupt PDZD7 protein function with a negative predictive value of 80%. In summary, the available evidence is currently insufficient to determine the role of this variant in disease. Therefore, it has been classified as a Variant of Uncertain Significance.

GeneDx
Classification: Uncertain significance. Last evaluated: 2021-06-25. Review status: criteria provided, single submitter. Criteria: GeneDx Variant Classification Process June 2021. Collection method: clinical testing. Allele origin: germline. Affected: yes.
Comment: Not observed at significant frequency in large population cohorts (Lek et al., 2016); In silico analysis supports that this missense variant does not alter protein structure/function; Has not been previously published as pathogenic or benign to our knowledge; This variant is associated with the following publications: (PMID: 27535533)

NM_001195263.2(PDZD7):c.1589G>A (p.Arg530Gln)

Gene: PDZD7 (PDZ domain containing 7; minus strand). Cytogenetic location: 10q24.31.
Variant type: single nucleotide variant.
Coding change: c.1589G>A on transcript NM_001195263.2 (MANE Select); coding-DNA position 1589, G replaced by A.
Protein change: p.Arg530Gln; replaces arginine 530 with glutamine.
Molecular consequence: missense variant.
Genome position (GRCh38, 1-based): chr10:101,015,796, C>T on the plus strand (G>A on the coding strand, the complement: PDZD7 is on the minus strand). VCF-style: chr10-101015796-C-T. GRCh37 (hg19) VCF-style: chr10-102775553-C-T.
Other names: short protein forms R530Q.
Identifiers: ClinVar variation 1052703 (VCV001052703.10), dbSNP rs574961159, ClinGen allele CA5654049.